The following is an entry in ClinVar:

ClinVar aggregate classification (germline): Pathogenic (1 of 4 stars; one submission).

Conditions:
Severe intellectual disability-poor language-strabismus-grimacing face-long fingers syndrome (GAND). Also called: GAND SYNDROME. Identifiers: Orphanet 363686, MedGen C3554448, MONDO:0014034, OMIM 615074.

Submission:

Victorian Clinical Genetics Services, Murdoch Childrens Research Institute
Classification: Pathogenic for Severe intellectual disability-poor language-strabismus-grimacing face-long fingers syndrome. Last evaluated: 2023-07-17. Review status: criteria provided, single submitter. Criteria: ACMG Guidelines, 2015. Collection method: clinical testing. Allele origin: germline. Inheritance: Autosomal dominant inheritance. Affected: yes.
Comment: Based on the classification scheme VCGS_Germline_v1.3.4, this variant is classified as Pathogenic. Following criteria are met: 0102 - Loss of function is a known mechanism of disease in this gene and is associated with GAND syndrome (MIM#615074). (I) 0107 - This gene is associated with autosomal dominant disease. (I) 0201 - Variant is predicted to cause nonsense-mediated decay (NMD) and loss of protein (premature termination codon is located at least 54 nucleotides upstream of the final exon-exon junction). (SP) 0251 - This variant is heterozygous. (I) 0301 - Variant is absent from gnomAD (both v2 and v3). (SP) 0701 - Other NMD predicted variants comparable to the one identified in this case have very strong previous evidence for pathogenicity (DECIPHER). (SP) 0807 - This variant has no previous evidence of pathogenicity. (I) 0905 - No published segregation evidence has been identified for this variant. (I) 1007 - No published functional evidence has been identified for this variant. (SP) Legend: (SP) - Supporting pathogenic, (I) - Information, (SB) - Supporting benign

NM_020699.4(GATAD2B):c.251_257del (p.Arg84fs)

Gene: GATAD2B (GATA zinc finger domain containing 2B; minus strand). Cytogenetic location: 1q21.3.
Variant type: Deletion.
Coding change: c.251_257del on transcript NM_020699.4 (MANE Select); coding-DNA positions 251 to 257, 7 bases deleted (GGCCTCA; older notation c.251_257delGGCCTCA).
Protein change: p.Arg84fs; shifts the reading frame from arginine 84.
Molecular consequence: frameshift variant.
Genome position (GRCh38, 1-based): chr1:153,828,091-153,828,097, TGAGGCC deleted on the plus strand (GGCCTCA on the coding strand, the reverse complement: GATAD2B is on the minus strand); deleting any 7 consecutive bases within chr1:153,828,091-153,828,101 gives the same sequence; the c. name uses the placement nearest the transcript's 3' end. VCF-style (leftmost placement, unchanged base first): chr1-153828090-ATGAGGCC-A. GRCh37 (hg19) VCF-style: chr1-153800566-ATGAGGCC-A.
Other names: short protein forms R84fs.
Identifiers: ClinVar variation 3254776 (VCV003254776.1), dbSNP rs2525291265.